The following is an entry in ClinVar:

ClinVar aggregate classification (germline): Uncertain significance (1 of 4 stars; one submission).

Conditions:
Inborn genetic diseases. Identifiers: MedGen C0950123, MeSH D030342.

Submission:

Ambry Genetics
Classification: Uncertain significance for Inborn genetic diseases. Last evaluated: 2024-09-25. Review status: criteria provided, single submitter. Criteria: Ambry Variant Classification Scheme 2023. Collection method: clinical testing. Allele origin: germline.
Comment: The c.1066T>G (p.Y356D) alteration is located in exon 5 (coding exon 3) of the RLIM gene. This alteration results from a T to G substitution at nucleotide position 1066, causing the tyrosine (Y) at amino acid position 356 to be replaced by an aspartic acid (D). This variant was not reported in population-based cohorts in the Genome Aggregation Database (gnomAD). Another alteration at the same codon, c.1067A>G (p.Y356C), has been shown to segregate in a family with males with subtle facial dysmorphism, autism, and feeding difficulties and with unaffected carrier mothers (T&oslash;nne, 2015). This amino acid position is highly conserved in available vertebrate species. The in silico prediction for this alteration is inconclusive. Based on insufficient or conflicting evidence, the clinical significance of this alteration remains unclear.

Literature cited by the submitters: PubMed 25735484.

NM_016120.4(RLIM):c.1066T>G (p.Tyr356Asp)

Gene: RLIM (ring finger protein, LIM domain interacting; minus strand). Cytogenetic location: Xq13.2.
Variant type: single nucleotide variant.
Coding change: c.1066T>G on transcript NM_016120.4 (MANE Select); coding-DNA position 1066, T replaced by G.
Protein change: p.Tyr356Asp; replaces tyrosine 356 with aspartic acid.
Molecular consequence: missense variant.
Genome position (GRCh38, 1-based): chrX:74,592,249, A>C on the plus strand (T>G on the coding strand, the complement: RLIM is on the minus strand). VCF-style: chrX-74592249-A-C. GRCh37 (hg19) VCF-style: chrX-73812084-A-C.
Other names: c.1066T>G, p.Tyr356Asp (NM_183353.3); short protein forms Y356D.
Identifiers: ClinVar variation 3433864 (VCV003433864.1).